The following is an entry in ClinVar:

ClinVar aggregate classification (germline): Uncertain significance. Review status: criteria provided, multiple submitters, no conflicts (2 of 4 stars). 2 submissions from 2 submitters: Uncertain significance (2). Last evaluated 2024-05-19.

Conditions:
Bloom syndrome (BLM). Also called: Bloom-Torre-Machacek syndrome. Identifiers: Orphanet 125, MedGen C0005859, MONDO:0008876, OMIM 210900.
Hereditary cancer-predisposing syndrome. Also called: Neoplastic Syndromes, Hereditary; Tumor predisposition; Hereditary neoplastic syndrome; Hereditary Cancer Syndrome. Identifiers: Orphanet 140162, MedGen C0027672, MeSH D009386, MONDO:0015356.

Submissions (2):

Labcorp Genetics (formerly Invitae), Labcorp
Classification: Uncertain significance for Bloom syndrome. Last evaluated: 2024-05-19. Review status: criteria provided, single submitter. Criteria: Invitae Variant Classification Sherloc (09022015). Collection method: clinical testing. Allele origin: germline.
Comment: This sequence change replaces threonine, which is neutral and polar, with isoleucine, which is neutral and non-polar, at codon 201 of the BLM protein (p.Thr201Ile). This variant is not present in population databases (gnomAD no frequency). This variant has not been reported in the literature in individuals affected with BLM-related conditions. An algorithm developed to predict the effect of missense changes on protein structure and function (PolyPhen-2) suggests that this variant is likely to be tolerated. In summary, the available evidence is currently insufficient to determine the role of this variant in disease. Therefore, it has been classified as a Variant of Uncertain Significance.

Ambry Genetics
Classification: Uncertain significance for Hereditary cancer-predisposing syndrome. Last evaluated: 2023-11-03. Review status: criteria provided, single submitter. Criteria: Ambry Variant Classification Scheme 2023. Collection method: clinical testing. Allele origin: germline.
Comment: The p.T201I variant (also known as c.602C>T), located in coding exon 2 of the BLM gene, results from a C to T substitution at nucleotide position 602. The threonine at codon 201 is replaced by isoleucine, an amino acid with similar properties. This amino acid position is conserved. In addition, this alteration is predicted to be tolerated by in silico analysis. Since supporting evidence is limited at this time, the clinical significance of this alteration remains unclear.

NM_000057.4(BLM):c.602C>T (p.Thr201Ile)

Gene: BLM (BLM RecQ like helicase; plus strand). Cytogenetic location: 15q26.1.
Variant type: single nucleotide variant.
Coding change: c.602C>T on transcript NM_000057.4 (MANE Select); coding-DNA position 602, C replaced by T.
Protein change: p.Thr201Ile; replaces threonine 201 with isoleucine.
Molecular consequence: missense variant. On other transcripts: 5 prime UTR variant (1).
Genome position (GRCh38, 1-based): chr15:90,749,870, C>T. VCF-style: chr15-90749870-C-T. GRCh37 (hg19) VCF-style: chr15-91293100-C-T.
Other names: c.602C>T, p.Thr201Ile (NM_001287246.2, NM_001287247.2); c.-690C>T (NM_001287248.2); short protein forms T201I.
Identifiers: ClinVar variation 3224855 (VCV003224855.3), dbSNP rs1448734613, ClinGen allele CA393841151.